The following is an entry in ClinVar:

ClinVar aggregate classification (germline): Uncertain significance (1 of 4 stars; one submission).

Conditions:
Nephronophthisis 15 (NPHP15). Identifiers: Orphanet 3156, MedGen C3541853, MONDO:0013917, OMIM 614845.

Submission:

Labcorp Genetics (formerly Invitae), Labcorp
Classification: Uncertain significance for Nephronophthisis 15. Last evaluated: 2022-06-23. Review status: criteria provided, single submitter. Criteria: Invitae Variant Classification Sherloc (09022015). Collection method: clinical testing. Allele origin: germline.
Comment: This sequence change replaces lysine, which is basic and polar, with glutamic acid, which is acidic and polar, at codon 1167 of the CEP164 protein (p.Lys1167Glu). This variant is not present in population databases (gnomAD no frequency). This variant has not been reported in the literature in individuals affected with CEP164-related conditions. Algorithms developed to predict the effect of missense changes on protein structure and function output the following: SIFT: "Tolerated"; PolyPhen-2: "Benign"; Align-GVGD: "Class C0". The glutamic acid amino acid residue is found in multiple mammalian species, which suggests that this missense change does not adversely affect protein function. In summary, the available evidence is currently insufficient to determine the role of this variant in disease. Therefore, it has been classified as a Variant of Uncertain Significance.

NM_014956.5(CEP164):c.3499A>G (p.Lys1167Glu)

Gene: CEP164 (centrosomal protein 164; plus strand). Cytogenetic location: 11q23.3.
Variant type: single nucleotide variant.
Coding change: c.3499A>G on transcript NM_014956.5 (MANE Select); coding-DNA position 3499, A replaced by G.
Protein change: p.Lys1167Glu; replaces lysine 1167 with glutamic acid.
Molecular consequence: missense variant.
Genome position (GRCh38, 1-based): chr11:117,397,311, A>G. VCF-style: chr11-117397311-A-G. GRCh37 (hg19) VCF-style: chr11-117268027-A-G.
Other names: c.3508A>G, p.Lys1170Glu (NM_001271933.2); short protein forms K1170E, K1167E.
Identifiers: ClinVar variation 2009577 (VCV002009577.1), dbSNP rs2542241593, ClinGen allele CA382737332.
Genomic context (GRCh38, chr11:117,397,311, plus strand): 5'-GAGGTGGCCAAAGACCCACCAGGCATCAAGGCCCTGGAAGATATGCGCAAGAACCTGGAG[A>G]AGGTCAGGAGCTTTGGGAAGGGCCTGCCAGCCCTGTGTGGGGGAGGCGGGGGGAGTCAGC-3'
Protein context (NP_055771.4, residues 1157-1177): ALEDMRKNLE[Lys1167Glu]ETRHLDEMKS